The following is an entry in ClinVar:

NM_000138.5(FBN1):c.2111C>G (p.Ser704Ter)

Gene: FBN1 (fibrillin 1; minus strand). Cytogenetic location: 15q21.1.
Variant type: single nucleotide variant.
Coding change: c.2111C>G on transcript NM_000138.5 (MANE Select); coding-DNA position 2111, C replaced by G.
Protein change: p.Ser704Ter; replaces serine 704 with a stop codon.
Molecular consequence: nonsense.
Genome position (GRCh38, 1-based): chr15:48,503,789, G>C on the plus strand (C>G on the coding strand, the complement: FBN1 is on the minus strand). VCF-style: chr15-48503789-G-C. GRCh37 (hg19) VCF-style: chr15-48795986-G-C.
Other names: short protein forms S704*.
Identifiers: ClinVar variation 931858 (VCV000931858.9), dbSNP rs2043683891, ClinGen allele CA392337866.

ClinVar aggregate classification (germline): Pathogenic. Review status: criteria provided, multiple submitters, no conflicts (2 of 4 stars). 2 submissions from 2 submitters: Pathogenic (2). Last evaluated 2021-10-28.

Conditions:
Familial thoracic aortic aneurysm and aortic dissection (TAAD). Also called: Thoracic aortic aneurysms and dissections. Identifiers: Orphanet 91387, MedGen C4707243, MONDO:0019625.
Marfan syndrome (MFS). Also called: Marfan syndrome, classic; Marfan syndrome type 1; Marfan's syndrome; FBN1-Related Marfan Syndrome; MARFAN SYNDROME, TYPE I. Identifiers: Orphanet 284963, Orphanet 558, MedGen C0024796, MONDO:0007947, OMIM 154700.
Progeroid and marfanoid aspect-lipodystrophy syndrome. Also called: MARFANOID-PROGEROID SYNDROME; MARFAN-PROGEROID-LIPODYSTROPHY SYNDROME; Marfan lipodystrophy syndrome; MARFANOID-PROGEROID-LIPODYSTROPHY SYNDROME. Identifiers: Orphanet 300382, MedGen C4310796, MONDO:0014831, OMIM 616914.

Submissions (2):

Labcorp Genetics (formerly Invitae), Labcorp
Classification: Pathogenic for Marfan syndrome; Familial thoracic aortic aneurysm and aortic dissection. Last evaluated: 2021-10-28. Review status: criteria provided, single submitter. Criteria: Invitae Variant Classification Sherloc (09022015). Collection method: clinical testing. Allele origin: germline.
Comment: This variant has not been reported in the literature in individuals affected with FBN1-related conditions. This variant is not present in population databases (gnomAD no frequency). This sequence change creates a premature translational stop signal (p.Ser704*) in the FBN1 gene. It is expected to result in an absent or disrupted protein product. Loss-of-function variants in FBN1 are known to be pathogenic (PMID: 17657824, 19293843). ClinVar contains an entry for this variant (Variation ID: 931858). For these reasons, this variant has been classified as Pathogenic.

Centre for Mendelian Genomics, University Medical Centre Ljubljana
Classification: Pathogenic for Progeroid and marfanoid aspect-lipodystrophy syndrome. Last evaluated: 2018-10-09. Review status: criteria provided, single submitter. Criteria: ACMG Guidelines, 2015. Collection method: clinical testing. Allele origin: unknown. Affected: yes.
Comment: This variant was classified as: Pathogenic. The following ACMG criteria were applied in classifying this variant: PVS1,PM2,PP4.

Literature cited by the submitters: PubMed 17657824 (cited by Labcorp Genetics (formerly Invitae), Labcorp); PubMed 19293843 (cited by Labcorp Genetics (formerly Invitae), Labcorp).